The following is an entry in ClinVar:

ClinVar aggregate classification (germline): Uncertain significance. Review status: criteria provided, multiple submitters, no conflicts (2 of 4 stars). 2 submissions from 2 submitters: Uncertain significance (2). Last evaluated 2025-08-01.

Conditions:
Inborn genetic diseases. Identifiers: MedGen C0950123, MeSH D030342.
Nance-Horan syndrome (NHS). Identifiers: Orphanet 627, MedGen C0796085, MONDO:0010545, OMIM 302350.

gnomAD v4.1: 4 of 1,212,029 alleles (0.00033%); highest among the groups gnomAD compares: East Asian, 0.003%; no homozygotes.

Submissions (2):

Ambry Genetics
Classification: Uncertain significance for Inborn genetic diseases. Last evaluated: 2025-08-01. Review status: criteria provided, single submitter. Criteria: Ambry Variant Classification Scheme 2023. Collection method: clinical testing. Allele origin: germline.

Labcorp Genetics (formerly Invitae), Labcorp
Classification: Uncertain significance for Nance-Horan syndrome. Last evaluated: 2024-03-07. Review status: criteria provided, single submitter. Criteria: Invitae Variant Classification Sherloc (09022015). Collection method: clinical testing. Allele origin: germline.
Comment: This sequence change replaces arginine, which is basic and polar, with tryptophan, which is neutral and slightly polar, at codon 677 of the NHS protein (p.Arg677Trp). This variant is not present in population databases (gnomAD no frequency). This variant has not been reported in the literature in individuals affected with NHS-related conditions. Advanced modeling of protein sequence and biophysical properties (such as structural, functional, and spatial information, amino acid conservation, physicochemical variation, residue mobility, and thermodynamic stability) performed at Invitae indicates that this missense variant is expected to disrupt NHS protein function with a positive predictive value of 80%. In summary, the available evidence is currently insufficient to determine the role of this variant in disease. Therefore, it has been classified as a Variant of Uncertain Significance.

NM_001291867.2(NHS):c.2092C>T (p.Arg698Trp)

Gene: NHS (NHS actin remodeling regulator; plus strand). Cytogenetic location: Xp22.13.
Variant type: single nucleotide variant.
Coding change: c.2092C>T on transcript NM_001291867.2 (MANE Select); coding-DNA position 2092, C replaced by T.
Protein change: p.Arg698Trp; replaces arginine 698 with tryptophan.
Molecular consequence: missense variant.
Genome position (GRCh38, 1-based): chrX:17,726,198, C>T. VCF-style: chrX-17726198-C-T. GRCh37 (hg19) VCF-style: chrX-17744318-C-T.
Other names: c.2029C>T (NM_198270.2); c.1561C>T, p.Arg521Trp (NM_001136024.4); c.1498C>T, p.Arg500Trp (NM_001291868.2); c.2029C>T, p.Arg677Trp (NM_198270.4); short protein forms R500W, R521W, R677W, R698W.
Identifiers: ClinVar variation 3624805 (VCV003624805.3).